The following is an entry in ClinVar:

NM_002500.5(NEUROD1):c.772G>A (p.Glu258Lys)

Gene: NEUROD1 (neuronal differentiation 1; minus strand). Cytogenetic location: 2q31.3.
Variant type: single nucleotide variant.
Coding change: c.772G>A on transcript NM_002500.5 (MANE Select); coding-DNA position 772, G replaced by A.
Protein change: p.Glu258Lys; replaces glutamic acid 258 with lysine.
Molecular consequence: missense variant.
Genome position (GRCh38, 1-based): chr2:181,678,089, C>T on the plus strand (G>A on the coding strand, the complement: NEUROD1 is on the minus strand). VCF-style: chr2-181678089-C-T. GRCh37 (hg19) VCF-style: chr2-182542816-C-T.
Other names: short protein forms E258K.
Identifiers: ClinVar variation 2780012 (VCV002780012.3), dbSNP rs751374620, ClinGen allele CA2011063.

ClinVar aggregate classification (germline): Uncertain significance (1 of 4 stars; one submission).

Allele frequency attached by ClinVar (database versions not stated): gnomAD exomes below 0.00001; ExAC 0.00002.
gnomAD v4.1: 3 of 1,614,174 alleles (0.00019%); highest among the groups gnomAD compares: East Asian, 0.0022%; no homozygotes.

Submission:

Labcorp Genetics (formerly Invitae), Labcorp
Classification: Uncertain significance. Last evaluated: 2022-11-11. Review status: criteria provided, single submitter. Criteria: Invitae Variant Classification Sherloc (09022015). Collection method: clinical testing. Allele origin: germline.
Comment: Advanced modeling of protein sequence and biophysical properties (such as structural, functional, and spatial information, amino acid conservation, physicochemical variation, residue mobility, and thermodynamic stability) performed at Invitae indicates that this missense variant is not expected to disrupt NEUROD1 protein function. This sequence change replaces glutamic acid, which is acidic and polar, with lysine, which is basic and polar, at codon 258 of the NEUROD1 protein (p.Glu258Lys). This variant is present in population databases (rs751374620, gnomAD 0.01%). This missense change has been observed in individual(s) with dyslipidemia (PMID: 32041611). In summary, the available evidence is currently insufficient to determine the role of this variant in disease. Therefore, it has been classified as a Variant of Uncertain Significance.

Literature cited by the submitters: PubMed 32041611.